The following is an entry in ClinVar:

ClinVar aggregate classification (germline): Uncertain significance. Review status: criteria provided, multiple submitters, no conflicts (2 of 4 stars). 3 submissions from 3 submitters: Uncertain significance (3). Last evaluated 2023-09-05.

Conditions:
Severe intellectual disability-poor language-strabismus-grimacing face-long fingers syndrome (GAND). Also called: GAND SYNDROME. Identifiers: Orphanet 363686, MedGen C3554448, MONDO:0014034, OMIM 615074.
Inborn genetic diseases. Identifiers: MedGen C0950123, MeSH D030342.

Allele frequency attached by ClinVar (database versions not stated): TOPMed below 0.00001.

Submissions (3):

Labcorp Genetics (formerly Invitae), Labcorp
Classification: Uncertain significance. Last evaluated: 2023-09-05. Review status: criteria provided, single submitter. Criteria: Invitae Variant Classification Sherloc (09022015). Collection method: clinical testing. Allele origin: germline.
Comment: This sequence change replaces alanine, which is neutral and non-polar, with threonine, which is neutral and polar, at codon 251 of the GATAD2B protein (p.Ala251Thr). In summary, the available evidence is currently insufficient to determine the role of this variant in disease. Therefore, it has been classified as a Variant of Uncertain Significance. Advanced modeling of protein sequence and biophysical properties (such as structural, functional, and spatial information, amino acid conservation, physicochemical variation, residue mobility, and thermodynamic stability) performed at Invitae indicates that this missense variant is not expected to disrupt GATAD2B protein function. ClinVar contains an entry for this variant (Variation ID: 1354705). This missense change has been observed in individual(s) with clinical features of GATAD2B-related conditions (Invitae). This variant is not present in population databases (gnomAD no frequency).

Genome-Nilou Lab
Classification: Uncertain significance for Severe intellectual disability-poor language-strabismus-grimacing face-long fingers syndrome. Last evaluated: 2023-04-11. Review status: criteria provided, single submitter. Criteria: ACMG Guidelines, 2015. Collection method: clinical testing. Allele origin: germline. Affected: no.

Ambry Genetics
Classification: Uncertain significance for Inborn genetic diseases. Last evaluated: 2023-04-07. Review status: criteria provided, single submitter. Criteria: Ambry Variant Classification Scheme 2023. Collection method: clinical testing. Allele origin: germline.

NM_020699.4(GATAD2B):c.751G>A (p.Ala251Thr)

Gene: GATAD2B (GATA zinc finger domain containing 2B; minus strand). Cytogenetic location: 1q21.3.
Variant type: single nucleotide variant.
Coding change: c.751G>A on transcript NM_020699.4 (MANE Select); coding-DNA position 751, G replaced by A.
Protein change: p.Ala251Thr; replaces alanine 251 with threonine.
Molecular consequence: missense variant.
Genome position (GRCh38, 1-based): chr1:153,817,521, C>T on the plus strand (G>A on the coding strand, the complement: GATAD2B is on the minus strand). VCF-style: chr1-153817521-C-T. GRCh37 (hg19) VCF-style: chr1-153789997-C-T.
Other names: c.751G>A (NM_020699.2); short protein forms A251T.
Identifiers: ClinVar variation 1354705 (VCV001354705.8), dbSNP rs1352649088, ClinGen allele CA342530987.